The following is an entry in ClinVar:

ClinVar aggregate classification (germline): Conflicting classifications of pathogenicity. Review status: criteria provided, conflicting classifications (1 of 4 stars). 3 submissions from 3 submitters: Likely pathogenic (2); Uncertain significance (1). Last evaluated 2024-01-03.

Conditions:
Familial hypokalemia-hypomagnesemia (GTLMNS). Also called: gitelman syndrome; HYPOMAGNESEMIA-HYPOKALEMIA, PRIMARY RENOTUBULAR, WITH HYPOCALCIURIA; POTASSIUM AND MAGNESIUM DEPLETION. Identifiers: Orphanet 358, MedGen C0268450, MONDO:0009904, OMIM 263800.

Allele frequency attached by ClinVar (database versions not stated): ExAC 0.00001; gnomAD 0.00001; TOPMed 0.00001; gnomAD exomes 0.00002 and 0.00005.
gnomAD v4.1: 73 of 1,613,890 alleles (0.0045%); highest among the groups gnomAD compares: Non-Finnish European, 0.0061%; no homozygotes.

Submissions (3):

Fulgent Genetics
Classification: Likely pathogenic for Familial hypokalemia-hypomagnesemia. Last evaluated: 2024-01-03. Review status: criteria provided, single submitter. Criteria: ACMG Guidelines, 2015. Collection method: clinical testing. Allele origin: germline.

Labcorp Genetics (formerly Invitae), Labcorp
Classification: Likely pathogenic. Last evaluated: 2023-12-06. Review status: criteria provided, single submitter. Criteria: Invitae Variant Classification Sherloc (09022015). Collection method: clinical testing. Allele origin: germline.
Comment: This sequence change replaces isoleucine, which is neutral and non-polar, with phenylalanine, which is neutral and non-polar, at codon 154 of the SLC12A3 protein (p.Ile154Phe). This variant is present in population databases (rs748547209, gnomAD 0.004%). This missense change has been observed in individuals with Gitelman syndrome (PMID: 11168953, 25841442). ClinVar contains an entry for this variant (Variation ID: 429782). Advanced modeling of protein sequence and biophysical properties (such as structural, functional, and spatial information, amino acid conservation, physicochemical variation, residue mobility, and thermodynamic stability) performed at Invitae indicates that this missense variant is expected to disrupt SLC12A3 protein function with a positive predictive value of 95%. In summary, the currently available evidence indicates that the variant is pathogenic, but additional data are needed to prove that conclusively. Therefore, this variant has been classified as Likely Pathogenic.

GeneDx
Classification: Uncertain significance. Last evaluated: 2023-03-27. Review status: criteria provided, single submitter. Criteria: GeneDx Variant Classification Process June 2021. Collection method: clinical testing. Allele origin: germline. Affected: yes.
Comment: In silico analysis supports that this missense variant does not alter protein structure/function; This variant is associated with the following publications: (PMID: 11168953, 36351028, 34604727, 25841442)

Literature cited by the submitters: PubMed 11168953 (cited by Labcorp Genetics (formerly Invitae), Labcorp); PubMed 25841442 (cited by Labcorp Genetics (formerly Invitae), Labcorp).

NM_001126108.2(SLC12A3):c.460A>T (p.Ile154Phe)

Gene: SLC12A3 (solute carrier family 12 member 3; plus strand). Cytogenetic location: 16q13.
Variant type: single nucleotide variant.
Coding change: c.460A>T on transcript NM_001126108.2 (MANE Select); coding-DNA position 460, A replaced by T.
Protein change: p.Ile154Phe; replaces isoleucine 154 with phenylalanine.
Molecular consequence: missense variant.
Genome position (GRCh38, 1-based): chr16:56,868,327, A>T. VCF-style: chr16-56868327-A-T. GRCh37 (hg19) VCF-style: chr16-56902239-A-T.
Other names: c.460A>T, p.Ile154Phe (NM_000339.3); c.457A>T, p.Ile153Phe (NM_001126107.2); short protein forms I154F, I153F.
Identifiers: ClinVar variation 429782 (VCV000429782.10), dbSNP rs748547209, ClinGen allele CA8069045.